The following is an entry in ClinVar:

ClinVar aggregate classification (germline): Benign. Review status: criteria provided, multiple submitters, no conflicts (2 of 4 stars). 2 submissions from 2 submitters: Benign (2). Last evaluated 2018-01-12.

Conditions:
Myoglobinuria, acute recurrent, autosomal recessive. Also called: MYOGLOBINURIA, FAMILIAL PAROXYSMAL PARALYTIC; RHABDOMYOLYSIS, ACUTE RECURRENT; Myoglobinuria, recurrent, autosomal recessive. Identifiers: Orphanet 99845, MedGen C1849386, MONDO:0009992, OMIM 268200.

Allele frequency attached by ClinVar (database versions not stated): 1000 Genomes Project 30x 0.11352; 1000 Genomes Project 0.11641; TOPMed 0.11803; gnomAD 0.12057 and 0.12203; gnomAD exomes 0.19022.
gnomAD v4.1: 18,702 of 152,518 alleles (12%); highest among the groups gnomAD compares: East Asian, 22%; 1,412 homozygotes.

Submissions (2):

Illumina Laboratory Services, Illumina
Classification: Benign for Myoglobinuria, acute recurrent, autosomal recessive. Last evaluated: 2018-01-12. Review status: criteria provided, single submitter. Criteria: ICSL Variant Classification Criteria 13 December 2019. Collection method: clinical testing. Allele origin: germline.
Comment: This variant was observed in the ICSL laboratory as part of a predisposition screen in an ostensibly healthy population. It had not been previously curated by ICSL or reported in the Human Gene Mutation Database (HGMD: prior to June 1st, 2018), and was therefore a candidate for classification through an automated scoring system. Utilizing variant allele frequency, disease prevalence and penetrance estimates, and inheritance mode, an automated score was calculated to assess if this variant is too frequent to cause the disease. Based on the score and internal cut-off values, a variant classified as benign is not then subjected to further curation. The score for this variant resulted in a classification of benign for this disease.

Breakthrough Genomics
Classification: Benign. Review status: criteria provided, single submitter. Criteria: ACMG Guidelines, 2015. Collection method: not provided. Allele origin: germline. Inheritance: Autosomal recessive inheritance. Affected: yes.

NM_001349206.2(LPIN1):c.*897C>T

Gene: LPIN1 (lipin 1; plus strand). Cytogenetic location: 2p25.1.
Variant type: single nucleotide variant.
Coding change: c.*897C>T on transcript NM_001349206.2 (MANE Select); 897 bases downstream of the stop codon, C replaced by T.
Molecular consequence: 3 prime UTR variant. On other transcripts: non-coding transcript variant (1).
Genome position (GRCh38, 1-based): chr2:11,825,688, C>T. VCF-style: chr2-11825688-C-T. GRCh37 (hg19) VCF-style: chr2-11965814-C-T.
Other names: c.*897C>T (NM_001261427.3, NM_001261428.3, NM_001349199.2 and 9 more transcripts).
Identifiers: ClinVar variation 330932 (VCV000330932.6), dbSNP rs1050800, ClinGen allele CA10611923.